The following is an entry in ClinVar:

NM_006231.4(POLE):c.6140T>G (p.Met2047Arg)

Gene: POLE (DNA polymerase epsilon, catalytic subunit; minus strand). Cytogenetic location: 12q24.33.
Variant type: single nucleotide variant.
Coding change: c.6140T>G on transcript NM_006231.4 (MANE Select); coding-DNA position 6140, T replaced by G.
Protein change: p.Met2047Arg; replaces methionine 2047 with arginine.
Molecular consequence: missense variant.
Genome position (GRCh38, 1-based): chr12:132,632,505, A>C on the plus strand (T>G on the coding strand, the complement: POLE is on the minus strand). VCF-style: chr12-132632505-A-C. GRCh37 (hg19) VCF-style: chr12-133209091-A-C.
Other names: short protein forms M2047R.
Identifiers: ClinVar variation 405731 (VCV000405731.12), dbSNP rs1060500829, ClinGen allele CA16613776.

ClinVar aggregate classification (germline): Uncertain significance. Review status: criteria provided, multiple submitters, no conflicts (2 of 4 stars). 3 submissions from 3 submitters: Uncertain significance (3). Last evaluated 2025-01-19.

Conditions:
Hereditary cancer-predisposing syndrome. Also called: Hereditary Cancer Syndrome; Hereditary neoplastic syndrome; Neoplastic Syndromes, Hereditary; Tumor predisposition. Identifiers: Orphanet 140162, MedGen C0027672, MeSH D009386, MONDO:0015356.

Allele frequency attached by ClinVar (database versions not stated): gnomAD exomes below 0.00001.
gnomAD v4.1: 1 of 1,614,018 alleles (0.000062%); highest among the groups gnomAD compares: Non-Finnish European, 0.000085%; no homozygotes.

Submissions (3):

Labcorp Genetics (formerly Invitae), Labcorp
Classification: Uncertain significance. Last evaluated: 2025-01-19. Review status: criteria provided, single submitter. Criteria: Invitae Variant Classification Sherloc (09022015). Collection method: clinical testing. Allele origin: germline.
Comment: This sequence change replaces methionine, which is neutral and non-polar, with arginine, which is basic and polar, at codon 2047 of the POLE protein (p.Met2047Arg). This variant is not present in population databases (gnomAD no frequency). This variant has not been reported in the literature in individuals affected with POLE-related conditions. ClinVar contains an entry for this variant (Variation ID: 405731). Invitae Evidence Modeling of protein sequence and biophysical properties (such as structural, functional, and spatial information, amino acid conservation, physicochemical variation, residue mobility, and thermodynamic stability) indicates that this missense variant is not expected to disrupt POLE protein function with a negative predictive value of 80%. In summary, the available evidence is currently insufficient to determine the role of this variant in disease. Therefore, it has been classified as a Variant of Uncertain Significance.

Ambry Genetics
Classification: Uncertain significance for Hereditary cancer-predisposing syndrome. Last evaluated: 2024-01-14. Review status: criteria provided, single submitter. Criteria: Ambry Variant Classification Scheme 2023. Collection method: clinical testing. Allele origin: germline.
Comment: The p.M2047R variant (also known as c.6140T>G), located in coding exon 45 of the POLE gene, results from a T to G substitution at nucleotide position 6140. The methionine at codon 2047 is replaced by arginine, an amino acid with similar properties. This amino acid position is conserved. In addition, this alteration is predicted to be tolerated by in silico analysis. Since supporting evidence is limited at this time, the clinical significance of this alteration remains unclear.

GeneDx
Classification: Uncertain significance. Last evaluated: 2023-06-29. Review status: criteria provided, single submitter. Criteria: GeneDx Variant Classification Process June 2021. Collection method: clinical testing. Allele origin: germline. Affected: yes.
Comment: Not observed at significant frequency in large population cohorts (gnomAD); In silico analysis supports that this missense variant does not alter protein structure/function; In silico analysis is inconclusive as to whether the variant alters gene splicing. In the absence of RNA/functional studies, the actual effect of this sequence change is unknown.; Has not been previously published as pathogenic or benign to our knowledge